The following is an entry in ClinVar:

NC_012920.1(MT-CYB):m.15401A>G

Gene: MT-CYB (mitochondrially encoded cytochrome b; plus strand).
Variant type: single nucleotide variant.
Genome position: chrM-15401-A-G.
Identifiers: ClinVar variation 693877 (VCV000693877.1), dbSNP rs200521299, ClinGen allele CA913173767.

ClinVar aggregate classification (germline): Benign (1 of 4 stars; one submission).

Conditions:
Leigh syndrome (NULS). Also called: Leigh's necrotizing encephalopathy; Leigh's disease; Leigh's syndrome; LEIGH SYNDROME, NUCLEAR; Leigh Syndrome (mtDNA deletion); Leigh Disease. Identifiers: Orphanet 506, MedGen C2931891, MONDO:0009723, OMIM 256000.

Submission:

Wong Mito Lab, Molecular and Human Genetics, Baylor College of Medicine
Classification: Benign for Leigh syndrome. Last evaluated: 2019-10-17. Review status: criteria provided, single submitter. Criteria: Modified ACMG Guidelines (Unpublished). Collection method: clinical testing. Allele origin: germline.
Comment: The NC_012920.1:m.15401A>G (YP_003024038.1:p.Thr219Ala) variant in MTCYB gene is interpretated to be a Benign variant based on the modified ACMG guidelines (unpublished). This variant meets the following evidence codes: BS1, BS4, BP4